The following is an entry in ClinVar:

NM_000038.6(APC):c.7919_7933del (p.Ser2640_Ile2644del)

Gene: APC (APC regulator of Wnt signaling pathway; plus strand). Cytogenetic location: 5q22.2.
Variant type: Deletion.
Coding change: c.7919_7933del on transcript NM_000038.6 (MANE Select); coding-DNA positions 7919 to 7933, 15 bases deleted (CAAAGACTCTAATTT).
Protein change: p.Ser2640_Ile2644del.
Molecular consequence: inframe deletion.
Genome position (GRCh38, 1-based): chr5:112,843,513-112,843,527, CAAAGACTCTAATTT deleted; deleting any 15 consecutive bases within chr5:112,843,512-112,843,527 gives the same sequence; the c. name uses the placement nearest the transcript's 3' end. VCF-style (leftmost placement, unchanged base first): chr5-112843511-ATCAAAGACTCTAATT-A. GRCh37 (hg19) VCF-style: chr5-112179208-ATCAAAGACTCTAATT-A.
Other names: c.7919_7933del (NM_000038.5); c.7919_7933del, p.Ser2640_Ile2644del (NM_001127510.3, NM_001354895.2); c.7865_7879del, p.Ser2622_Ile2626del (NM_001127511.3); c.7973_7987del, p.Ser2658_Ile2662del (NM_001354896.2); c.7949_7963del, p.Ser2650_Ile2654del (NM_001354897.2); c.7844_7858del, p.Ser2615_Ile2619del (NM_001354898.2); c.7835_7849del, p.Ser2612_Ile2616del (NM_001354899.2); c.7796_7810del, p.Ser2599_Ile2603del (NM_001354900.2); and 6 more.
Identifiers: ClinVar variation 827330 (VCV000827330.14), dbSNP rs1580688161, ClinGen allele CA915943526.
Genomic context (GRCh38, chr5:112,843,511, plus strand): 5'-ATTTTCTCCCACAAATAGTACTTCTCAGACCGTTTCCTCAGGTGCTACAAATGGTGCTGA[ATCAAAGACTCTAATT>A]TATCAAATGGCACCTGCTGTTTCTAAAACAGAGGATGTTTGGGTGAGAATTGAGGACTGT-3'

ClinVar aggregate classification (germline): Uncertain significance. Review status: criteria provided, multiple submitters, no conflicts (2 of 4 stars). 4 submissions from 4 submitters: Uncertain significance (4). Last evaluated 2025-05-05.

Conditions:
Hereditary cancer-predisposing syndrome. Also called: Neoplastic Syndromes, Hereditary; Tumor predisposition; Hereditary neoplastic syndrome; Hereditary Cancer Syndrome. Identifiers: Orphanet 140162, MedGen C0027672, MeSH D009386, MONDO:0015356.
Familial adenomatous polyposis 1 (FAP1). Also called: POLYPOSIS, ADENOMATOUS INTESTINAL; FAMILIAL ADENOMATOUS POLYPOSIS 1, ATTENUATED. Identifiers: MedGen C2713442, MONDO:0021056, OMIM 175100. Disease mechanism: loss of function.

Submissions (4):

Labcorp Genetics (formerly Invitae), Labcorp
Classification: Uncertain significance for Familial adenomatous polyposis 1. Last evaluated: 2025-05-05. Review status: criteria provided, single submitter. Criteria: Invitae Variant Classification Sherloc (09022015). Collection method: clinical testing. Allele origin: germline.
Comment: This variant, c.7919_7933del, results in the deletion of 5 amino acid(s) of the APC protein (p.Ser2640_Ile2644del), but otherwise preserves the integrity of the reading frame. This variant is not present in population databases (gnomAD no frequency). This variant has not been reported in the literature in individuals affected with APC-related conditions. ClinVar contains an entry for this variant (Variation ID: 827330). Experimental studies and prediction algorithms are not available or were not evaluated, and the functional significance of this variant is currently unknown. In summary, the available evidence is currently insufficient to determine the role of this variant in disease. Therefore, it has been classified as a Variant of Uncertain Significance.

Ambry Genetics
Classification: Uncertain significance for Hereditary cancer-predisposing syndrome. Last evaluated: 2023-11-20. Review status: criteria provided, single submitter. Criteria: Ambry Variant Classification Scheme 2023. Collection method: clinical testing. Allele origin: germline.
Comment: The c.7919_7933del15 variant (also known as p.S2640_I2644del) is located in coding exon 15 of the APC gene. This variant results from an in-frame CAAAGACTCTAATTT deletion at nucleotide positions 7919 to 7933. This results in the in-frame deletion of five amino acid residues (SKTLI) at codon 2640 to 2644. This amino acid region is not well conserved in available vertebrate species. In addition, this alteration is predicted to be neutral by in silico analysis (Choi Y et al. PLoS ONE. 2012; 7(10):e46688). Since supporting evidence is limited at this time, the clinical significance of this alteration remains unclear.

GeneDx
Classification: Uncertain significance. Last evaluated: 2023-06-05. Review status: criteria provided, single submitter. Criteria: GeneDx Variant Classification Process June 2021. Collection method: clinical testing. Allele origin: germline. Affected: yes.
Comment: Not observed at significant frequency in large population cohorts (gnomAD); In-frame deletion of 5 amino acids in a non-repeat region; In silico analysis supports a deleterious effect on protein structure/function; Has not been previously published as pathogenic or benign to our knowledge; Located in the critical EB1 binding domain (Azzopardi et al., 2008); This variant is associated with the following publications: (PMID: 18199528)

Sema4
Classification: Uncertain significance for Hereditary cancer-predisposing syndrome. Last evaluated: 2021-10-30. Review status: criteria provided, single submitter. Criteria: Sema4 Curation Guidelines. Collection method: curation. Allele origin: germline.
Comment: The APC c.7919_7933del (p.S2640_I2644del) variant has not been reported in the literature to our knowledge. This variant results in the deletion of five conserved amino acid residues without altering the integrity of reading frame. Functional studies and prediction algorithms are not available for this alteration, and the functional impact of this variant is unknown. It was not observed in the large and broad cohorts of the Genome Aggregation Database (PMID: 32461654). The variant has been reported in ClinVar (Variation ID 827330). The evidence is insufficient to meet ACMG/AMP criteria for classifying the variant as benign or pathogenic. Thus, the clinical significance of this variant is currently uncertain.